The following is an entry in ClinVar:

ClinVar aggregate classification (germline): Likely benign (1 of 4 stars; one submission).

Allele frequency attached by ClinVar (database versions not stated): TOPMed 0.00361; 1000 Genomes Project 30x 0.00234; 1000 Genomes Project 0.00240; gnomAD 0.00291 and 0.00322.

Submission:

GeneDx
Classification: Likely benign. Last evaluated: 2018-06-14. Review status: criteria provided, single submitter. Criteria: GeneDx Variant Classification (06012015). Collection method: clinical testing. Allele origin: germline. Affected: yes.
Comment: This variant is considered likely benign or benign based on one or more of the following criteria: it is a conservative change, it occurs at a poorly conserved position in the protein, it is predicted to be benign by multiple in silico algorithms, and/or has population frequency not consistent with disease.

NM_025215.5(PUS1):c.-534T>G

Gene: PUS1 (pseudouridine synthase 1; plus strand). Cytogenetic location: 12q24.33.
Variant type: single nucleotide variant.
Coding change: c.-534T>G on transcript NM_025215.5; 534 bases upstream of the start codon, T replaced by G.
Genome position (GRCh38, 1-based): chr12:131,929,189, T>G. VCF-style: chr12-131929189-T-G. GRCh37 (hg19) VCF-style: chr12-132413734-T-G.
Identifiers: ClinVar variation 678339 (VCV000678339.3), dbSNP rs559360646, ClinGen allele CA246181292.